The following is an entry in ClinVar:

NM_001003722.2(GLE1):c.746_747del (p.Tyr249fs)

Gene: GLE1 (GLE1 RNA export mediator; plus strand). Cytogenetic location: 9q34.11.
Variant type: Deletion.
Coding change: c.746_747del on transcript NM_001003722.2 (MANE Select); coding-DNA positions 746 to 747, 2 bases deleted (AT; older notation c.746_747delAT).
Protein change: p.Tyr249fs; shifts the reading frame from tyrosine 249.
Molecular consequence: frameshift variant.
Genome position (GRCh38, 1-based): chr9:128,523,695-128,523,696, AT deleted; deleting any 2 consecutive bases within chr9:128,523,694-128,523,696 gives the same sequence; the c. name uses the placement nearest the transcript's 3' end. VCF-style (leftmost placement, unchanged base first): chr9-128523693-CTA-C. GRCh37 (hg19) VCF-style: chr9-131285972-CTA-C.
Other names: c.746_747del, p.Tyr249fs (NM_001411013.1, NM_001499.2); short protein forms Y249fs.
Identifiers: ClinVar variation 2842404 (VCV002842404.3), dbSNP rs2540596874, ClinGen allele CA2739265088.

ClinVar aggregate classification (germline): Pathogenic (1 of 4 stars; one submission).

Submission:

Labcorp Genetics (formerly Invitae), Labcorp
Classification: Pathogenic. Last evaluated: 2023-03-03. Review status: criteria provided, single submitter. Criteria: Invitae Variant Classification Sherloc (09022015). Collection method: clinical testing. Allele origin: germline.
Comment: For these reasons, this variant has been classified as Pathogenic. This variant has not been reported in the literature in individuals affected with GLE1-related conditions. This variant is not present in population databases (gnomAD no frequency). This sequence change creates a premature translational stop signal (p.Tyr249Cysfs*17) in the GLE1 gene. It is expected to result in an absent or disrupted protein product. Loss-of-function variants in GLE1 are known to be pathogenic (PMID: 18204449, 24243016, 27684565).

Literature cited by the submitters: PubMed 18204449; PubMed 24243016; PubMed 27684565.